The following is an entry in ClinVar:

NM_006031.6(PCNT):c.2287G>A (p.Ala763Thr)

Gene: PCNT (pericentrin; plus strand). Cytogenetic location: 21q22.3.
Variant type: single nucleotide variant.
Coding change: c.2287G>A on transcript NM_006031.6 (MANE Select); coding-DNA position 2287, G replaced by A.
Protein change: p.Ala763Thr; replaces alanine 763 with threonine.
Molecular consequence: missense variant.
Genome position (GRCh38, 1-based): chr21:46,363,612, G>A. VCF-style: chr21-46363612-G-A. GRCh37 (hg19) VCF-style: chr21-47783527-G-A.
Other names: c.1933G>A, p.Ala645Thr (NM_001315529.2); short protein forms A645T, A763T.
Identifiers: ClinVar variation 4133362 (VCV004133362.2).

ClinVar aggregate classification (germline): Uncertain significance. Review status: criteria provided, multiple submitters, no conflicts (2 of 4 stars). 2 submissions from 2 submitters: Uncertain significance (2). Last evaluated 2025-08-27.

Conditions:
PCNT-related disorder. Also called: PCNT-related condition.
Inborn genetic diseases. Identifiers: MedGen C0950123, MeSH D030342.

gnomAD v4.1: 7 of 1,614,086 alleles (0.00043%); highest among the groups gnomAD compares: African/African-American, 0.0093%; no homozygotes.

Submissions (2):

Ambry Genetics
Classification: Uncertain significance for Inborn genetic diseases. Last evaluated: 2025-08-27. Review status: criteria provided, single submitter. Criteria: Ambry Variant Classification Scheme 2023. Collection method: clinical testing. Allele origin: germline.

PreventionGenetics, part of Exact Sciences
Classification: Uncertain significance for PCNT-related condition. Last evaluated: 2024-12-06. Review status: criteria provided, single submitter. Criteria: ACMG Guidelines, 2015. Collection method: clinical testing. Allele origin: germline.
Comment: The PCNT c.2287G>A variant is predicted to result in the amino acid substitution p.Ala763Thr. To our knowledge, this variant has not been reported in the literature. This variant is reported in 0.020% of alleles in individuals of African descent in gnomAD. At this time, the clinical significance of this variant is uncertain due to the absence of conclusive functional and genetic evidence.